The following is an entry in ClinVar:

NM_001131016.2(CIZ1):c.505A>G (p.Met169Val)

Gene: CIZ1 (CDKN1A interacting zinc finger protein 1; minus strand). Cytogenetic location: 9q34.11.
Variant type: single nucleotide variant.
Coding change: c.505A>G on transcript NM_001131016.2 (MANE Select); coding-DNA position 505, A replaced by G.
Protein change: p.Met169Val; replaces methionine 169 with valine.
Molecular consequence: missense variant.
Genome position (GRCh38, 1-based): chr9:128,185,630, T>C on the plus strand (A>G on the coding strand, the complement: CIZ1 is on the minus strand). VCF-style: chr9-128185630-T-C. GRCh37 (hg19) VCF-style: chr9-130947909-T-C.
Other names: c.505A>G, p.Met169Val (NM_001131015.2, NM_001131017.2, NM_012127.3); c.433A>G, p.Met145Val (NM_001131018.2); c.595A>G, p.Met199Val (NM_001257975.2); c.202A>G, p.Met68Val (NM_001257976.2); short protein forms M68V, M199V, M145V, M169V.
Identifiers: ClinVar variation 3016901 (VCV003016901.3), dbSNP rs2538843592, ClinGen allele CA375001503.
Genomic context (GRCh38, chr9:128,185,630, plus strand): 5'-AGGAGGTCCGGGCCTGTTTCTGGGGGTTCCGTCCTGAAAGGTTGAACTGGGAAGGGTTCA[T>C]GGGGACCCCAACAGGAGGAGGTCCCAGCAAGGACTGGCGAGTGGCCTGGGGAAAGAACTG-3'
Protein context (NP_001124488.1, residues 159-179): LLGPPPVGVP[Met169Val]NPSQFNLSGR

ClinVar aggregate classification (germline): Uncertain significance (1 of 4 stars; one submission).

Conditions:
Dystonic disorder. Also called: Dystonia. Identifiers: MedGen C0013421, MONDO:0003441, HP:0001332.

Submission:

Labcorp Genetics (formerly Invitae), Labcorp
Classification: Uncertain significance for Dystonic disorder. Last evaluated: 2024-08-30. Review status: criteria provided, single submitter. Criteria: Invitae Variant Classification Sherloc (09022015). Collection method: clinical testing. Allele origin: germline.
Comment: This sequence change replaces methionine, which is neutral and non-polar, with valine, which is neutral and non-polar, at codon 169 of the CIZ1 protein (p.Met169Val). This variant is not present in population databases (gnomAD no frequency). This variant has not been reported in the literature in individuals affected with CIZ1-related conditions. An algorithm developed to predict the effect of missense changes on protein structure and function (PolyPhen-2) suggests that this variant is likely to be tolerated. In summary, the available evidence is currently insufficient to determine the role of this variant in disease. Therefore, it has been classified as a Variant of Uncertain Significance.